The following is an entry in ClinVar:

ClinVar aggregate classification (germline): Uncertain significance (1 of 4 stars; one submission).

Conditions:
Breast-ovarian cancer, familial, susceptibility to, 2 (BROVCA2). Also called: BRCA2 Hereditary Breast and Ovarian Cancer. Identifiers: Orphanet 145, MedGen C2675520, MONDO:0012933, OMIM 612555. Disease mechanism: loss of function.

Submission:

All of Us Research Program, National Institutes of Health
Classification: Uncertain significance for Breast-ovarian cancer, familial, susceptibility to, 2. Last evaluated: 2023-12-18. Review status: criteria provided, single submitter. Criteria: ACMG Guidelines, 2015. Collection method: clinical testing. Allele origin: germline. Inheritance: Autosomal dominant inheritance. Observed: 1 variant allele, 1 heterozygote.
Comment: This missense variant replaces alanine with proline at codon 1564 of the BRCA2 protein. Computational prediction suggests that this variant may not impact protein structure and function (internally defined REVEL score threshold <= 0.5, PMID: 27666373). To our knowledge, functional studies have not been reported for this variant. This variant has not been reported in individuals affected with BRCA2-related disorders in the literature. This variant has not been identified in the general population by the Genome Aggregation Database (gnomAD). The available evidence is insufficient to determine the role of this variant in disease conclusively. Therefore, this variant is classified as a Variant of Uncertain Significance.

This study involves interpretation of variants in research participants for the purpose of population health screening. Participant phenotype was not available at the time of variant classification. Additional details can be found in publication PMID: 35346344, PMCID: PMC8962531

NM_000059.4(BRCA2):c.4690G>C (p.Ala1564Pro)

Gene: BRCA2 (BRCA2 DNA repair associated; plus strand). Cytogenetic location: 13q13.1.
Variant type: single nucleotide variant.
Coding change: c.4690G>C on transcript NM_000059.4 (MANE Select); coding-DNA position 4690, G replaced by C.
Protein change: p.Ala1564Pro; replaces alanine 1564 with proline.
Molecular consequence: missense variant. On other transcripts: non-coding transcript variant (1), intron variant (2).
Genome position (GRCh38, 1-based): chr13:32,339,045, G>C. VCF-style: chr13-32339045-G-C. GRCh37 (hg19) VCF-style: chr13-32913182-G-C.
Other names: c.4690G>C, p.Ala1564Pro (NM_001406719.1, NM_001406720.1); c.1910-5513G>C (NM_001406721.1); c.425-5513G>C (NM_001406722.1); short protein forms A1564P.
Identifiers: ClinVar variation 3075123 (VCV003075123.1), dbSNP rs1566230953, ClinGen allele CA387782857.